The following is an entry in ClinVar:

ClinVar aggregate classification (germline): Uncertain significance (1 of 4 stars; one submission).

Conditions:
Myofibrillar myopathy 4. Also called: Zaspopathy (type). Identifiers: Orphanet 98912, MedGen C4721886, MONDO:0012277, OMIM 609452.

Submission:

Labcorp Genetics (formerly Invitae), Labcorp
Classification: Uncertain significance for Myofibrillar myopathy 4. Last evaluated: 2017-02-15. Review status: criteria provided, single submitter. Criteria: Invitae Variant Classification Sherloc (09022015). Collection method: clinical testing. Allele origin: germline.
Comment: This sequence change replaces proline with arginine at codon 417 of the LDB3 protein (p.Pro417Arg). The proline residue is highly conserved and there is a moderate physicochemical difference between proline and arginine. The LDB3 gene has multiple clinically relevant isoforms. The p.Pro417Arg variant occurs in alternate transcript NM_001171610.1, which corresponds to position c.*16956C>G in NM_001080116.1, the primary transcript listed in the Methods. This variant is not present in population databases (ExAC no frequency) and has not been reported in the literature in individuals with a LDB3-related disease. Algorithms developed to predict the effect of missense changes on protein structure and function (SIFT, PolyPhen-2, Align-GVGD) all suggest that this variant is likely to be disruptive, but these predictions have not been confirmed by published functional studies. In summary, this variant is a novel missense change with uncertain impact on protein function. It has been classified as a Variant of Uncertain Significance.

NM_007078.3(LDB3):c.897-6759C>G

Gene: LDB3 (LIM domain binding 3; plus strand). Cytogenetic location: 10q23.2.
Variant type: single nucleotide variant.
Coding change: c.897-6759C>G on transcript NM_007078.3 (MANE Select); 6759 bases into the intron before coding-DNA position 897, C replaced by G.
Molecular consequence: intron variant. On other transcripts: 3 prime UTR variant (6).
Genome position (GRCh38, 1-based): chr10:86,699,772, C>G. VCF-style: chr10-86699772-C-G. GRCh37 (hg19) VCF-style: chr10-88459529-C-G.
Other names: c.1250C>G (NM_001080116.1); c.*398C>G (NM_001080115.2, NM_001080116.1, NM_001171611.2 and 3 more transcripts); c.896+7201C>G (NM_001368064.1, NM_001368065.1); c.1100+7201C>G (NM_001171610.2); c.756-6759C>G (NM_001368066.1); c.755+7201C>G (NM_001080114.2).
Identifiers: ClinVar variation 464271 (VCV000464271.1), dbSNP rs11594242, ClinGen allele CA658657972.